The following is an entry in ClinVar:

ClinVar aggregate classification (germline): Uncertain significance. Review status: criteria provided, multiple submitters, no conflicts (2 of 4 stars). 2 submissions from 2 submitters: Uncertain significance (2). Last evaluated 2025-11-01.

gnomAD v4.1: 5 of 899,952 alleles (0.00056%); highest among the groups gnomAD compares: Non-Finnish European, 0.00069%; no homozygotes.

Submissions (2):

CeGaT Center for Human Genetics Tuebingen
Classification: Uncertain significance. Last evaluated: 2025-11-01. Review status: criteria provided, single submitter. Criteria: CeGaT Center For Human Genetics Tuebingen Variant Classification Criteria Version 2. Collection method: clinical testing. Allele origin: germline. Affected: yes. Observed: 1 variant allele.
Comment: BICRA: PM2

Ambry Genetics
Classification: Uncertain significance. Last evaluated: 2022-10-04. Review status: criteria provided, single submitter. Criteria: Ambry Variant Classification Scheme 2023. Collection method: clinical testing. Allele origin: germline.

NM_001394372.1(BICRA):c.2471C>T (p.Pro824Leu)

Gene: BICRA (BRD4 interacting chromatin remodeling complex associated protein; plus strand). Cytogenetic location: 19q13.33.
Variant type: single nucleotide variant.
Coding change: c.2471C>T on transcript NM_001394372.1 (MANE Select); coding-DNA position 2471, C replaced by T.
Protein change: p.Pro824Leu; replaces proline 824 with leucine.
Molecular consequence: missense variant.
Genome position (GRCh38, 1-based): chr19:47,694,302, C>T. VCF-style: chr19-47694302-C-T. GRCh37 (hg19) VCF-style: chr19-48197559-C-T.
Other names: c.2471C>T, p.Pro824Leu (NM_015711.3); short protein forms P824L.
Identifiers: ClinVar variation 3133895 (VCV003133895.7), dbSNP rs1289303734, ClinGen allele CA406620511.